The following is an entry in ClinVar:

NM_000222.3(KIT):c.1553C>T (p.Pro518Leu)

Gene: KIT (KIT proto-oncogene, receptor tyrosine kinase; plus strand). Cytogenetic location: 4q12.
Variant type: single nucleotide variant.
Coding change: c.1553C>T on transcript NM_000222.3 (MANE Select); coding-DNA position 1553, C replaced by T.
Protein change: p.Pro518Leu; replaces proline 518 with leucine.
Molecular consequence: missense variant.
Genome position (GRCh38, 1-based): chr4:54,727,230, C>T. VCF-style: chr4-54727230-C-T. GRCh37 (hg19) VCF-style: chr4-55593396-C-T.
Other names: c.1541C>T, p.Pro514Leu (NM_001093772.2, NM_001385286.1); c.1556C>T, p.Pro519Leu (NM_001385284.1, NM_001385290.1); c.1553C>T, p.Pro518Leu (NM_001385285.1); c.1544C>T, p.Pro515Leu (NM_001385288.1, NM_001385292.1); short protein forms P518L, P514L, P515L, P519L.
Identifiers: ClinVar variation 237245 (VCV000237245.19), dbSNP rs569408054, ClinGen allele CA2923522.

ClinVar aggregate classification (germline): Conflicting classifications of pathogenicity. Review status: criteria provided, conflicting classifications (1 of 4 stars). 6 submissions from 6 submitters: Uncertain significance (5); Likely benign (1). Last evaluated 2026-05-27.

Conditions:
Hereditary cancer-predisposing syndrome. Also called: Tumor predisposition; Hereditary Cancer Syndrome; Neoplastic Syndromes, Hereditary; Hereditary neoplastic syndrome. Identifiers: Orphanet 140162, MedGen C0027672, MeSH D009386, MONDO:0015356.
Mastocytosis. Also called: Mast Cell Disease. Identifiers: Orphanet 98292, MedGen C0024899, MONDO:0007950, HP:0100495.
Malignant tumor of testis. Also called: Testicular cancer. Identifiers: MedGen C0153594, MONDO:0005447.
Acute myeloid leukemia (AML). Also called: Acute myeloid leukemia, adult; AML adult; Acute non-lymphocytic leukemia; Acute granulocytic leukemia; Leukemia, acute myelogenous, somatic; Leukemia, acute myeloid, somatic. Identifiers: Orphanet 519, MedGen C0023467, MeSH D015470, MONDO:0018874, OMIM 601626, HP:0004808. Disease mechanism: Constitutively activated FLT3.
Gastrointestinal stromal tumor. Also called: Gastrointestinal stroma tumor; Gastrointestinal stromal tumor, somatic. Identifiers: Orphanet 44890, MedGen C0238198, MeSH D046152, MONDO:0011719, OMIM 606764, HP:0100723.
Piebaldism. Also called: Piebald skin depigmentation. Identifiers: Orphanet 2884, MedGen C0080024, MONDO:0008244, OMIM 172800, HP:0007544.

Allele frequency attached by ClinVar (database versions not stated): gnomAD exomes below 0.00001 and 0.00001; ExAC 0.00001; gnomAD 0.00001; 1000 Genomes Project 30x 0.00016; 1000 Genomes Project 0.00020.
gnomAD v4.1: 7 of 1,613,932 alleles (0.00043%); highest among the groups gnomAD compares: Non-Finnish European, 0.00059%; no homozygotes.

Submissions (6):

Myriad Genetics, Inc.
Classification: Likely benign for Gastrointestinal stromal tumor. Last evaluated: 2026-05-27. Review status: criteria provided, single submitter. Criteria: Myriad Autosomal Dominant, Autosomal Recessive and X-Linked Classification Criteria (2023). Collection method: clinical testing. Allele origin: unknown.
Comment: This variant is considered likely benign. This variant has been observed at a population frequency that is significantly greater than expected given the associated disease prevalence and penetrance.

Ambry Genetics
Classification: Uncertain significance for Hereditary cancer-predisposing syndrome. Last evaluated: 2025-02-23. Review status: criteria provided, single submitter. Criteria: Ambry Variant Classification Scheme 2023. Collection method: clinical testing. Allele origin: germline.
Comment: The p.P518L variant (also known as c.1553C>T), located in coding exon 10 of the KIT gene, results from a C to T substitution at nucleotide position 1553. The proline at codon 518 is replaced by leucine, an amino acid with similar properties. This amino acid position is not well conserved in available vertebrate species. In addition, this alteration is predicted to be tolerated by in silico analysis. Since supporting evidence is limited at this time, the clinical significance of this alteration remains unclear.

Labcorp Genetics (formerly Invitae), Labcorp
Classification: Uncertain significance for Gastrointestinal stromal tumor. Last evaluated: 2025-01-27. Review status: criteria provided, single submitter. Criteria: Invitae Variant Classification Sherloc (09022015). Collection method: clinical testing. Allele origin: germline.
Comment: This sequence change replaces proline, which is neutral and non-polar, with leucine, which is neutral and non-polar, at codon 518 of the KIT protein (p.Pro518Leu). This variant is present in population databases (rs569408054, gnomAD 0.003%). This variant has not been reported in the literature in individuals affected with KIT-related conditions. ClinVar contains an entry for this variant (Variation ID: 237245). An algorithm developed to predict the effect of missense changes on protein structure and function (PolyPhen-2) suggests that this variant¬†is likely to be tolerated. In summary, the available evidence is currently insufficient to determine the role of this variant in disease. Therefore, it has been classified as a Variant of Uncertain Significance.

GeneDx
Classification: Uncertain significance. Last evaluated: 2024-02-21. Review status: criteria provided, single submitter. Criteria: GeneDx Variant Classification Process June 2021. Collection method: clinical testing. Allele origin: germline. Affected: yes.
Comment: Not observed at significant frequency in large population cohorts (gnomAD); In silico analysis supports that this missense variant has a deleterious effect on protein structure/function; Observed in an individual referred for hereditary breast and ovarian cancer (HBOC) testing (PMID: 38136308); This variant is associated with the following publications: (PMID: 38136308)

Baylor Genetics
Classification: Uncertain significance for Gastrointestinal stromal tumor. Last evaluated: 2023-05-18. Review status: criteria provided, single submitter. Criteria: ACMG Guidelines, 2015. Collection method: clinical testing. Allele origin: unknown.

Fulgent Genetics
Classification: Uncertain significance for Cutaneous mastocytosis; Piebaldism; Germ cell tumor of testis; Acute myeloid leukemia; Gastrointestinal stromal tumor. Last evaluated: 2018-10-31. Review status: criteria provided, single submitter. Criteria: ACMG Guidelines, 2015. Collection method: clinical testing. Allele origin: unknown.